The following is an entry in ClinVar:

NM_000368.5(TSC1):c.185C>T (p.Thr62Ile)

Gene: TSC1 (TSC complex subunit 1; minus strand). Cytogenetic location: 9q34.13.
Variant type: single nucleotide variant.
Coding change: c.185C>T on transcript NM_000368.5 (MANE Select); coding-DNA position 185, C replaced by T.
Protein change: p.Thr62Ile; replaces threonine 62 with isoleucine.
Molecular consequence: missense variant. On other transcripts: 5 prime UTR variant (9), non-coding transcript variant (4), intron variant (9).
Genome position (GRCh38, 1-based): chr9:132,927,226, G>A on the plus strand (C>T on the coding strand, the complement: TSC1 is on the minus strand). VCF-style: chr9-132927226-G-A. GRCh37 (hg19) VCF-style: chr9-135802613-G-A.
Other names: c.185C>T, p.Thr62Ile (NM_001162426.2, NM_001162427.2, NM_001406592.1 and 21 more transcripts); c.-304C>T (NM_001406615.1, NM_001406623.1); c.-271C>T (NM_001406616.1, NM_001406624.1); c.-693C>T (NM_001406626.1, NM_001406627.1, NM_001406628.1); c.-835C>T (NM_001406629.1); c.-909C>T (NM_001406630.1); c.-153-1487C>T (NM_001406620.1, NM_001406618.1, NM_001406625.1 and 5 more transcripts); c.-245-1487C>T (NM_001406614.1); short protein forms T62I.
Identifiers: ClinVar variation 3075531 (VCV003075531.1), dbSNP rs1846917604, ClinGen allele CA375375074.

ClinVar aggregate classification (germline): Uncertain significance (1 of 4 stars; one submission).

Conditions:
Tuberous sclerosis syndrome (TSC). Also called: Tuberous sclerosis; Tuberous Sclerosis Complex. Identifiers: Orphanet 805, MedGen C0041341, MONDO:0001734.

Submission:

All of Us Research Program, National Institutes of Health
Classification: Uncertain significance for Tuberous sclerosis syndrome. Last evaluated: 2023-03-23. Review status: criteria provided, single submitter. Criteria: ACMG Guidelines, 2015. Collection method: clinical testing. Allele origin: germline. Inheritance: Autosomal dominant inheritance. Observed: 1 variant allele, 1 heterozygote.
Comment: This missense variant replaces threonine with isoleucine at codon 62 of the TSC1 protein. Computational prediction suggests that this variant may not impact protein structure and function (internally defined REVEL score threshold <= 0.5, PMID: 27666373). To our knowledge, functional studies have not been reported for this variant. This variant has not been reported in individuals affected with TSC1-related disorders in the literature. This variant has not been identified in the general population by the Genome Aggregation Database (gnomAD). The available evidence is insufficient to determine the role of this variant in disease conclusively. Therefore, this variant is classified as a Variant of Uncertain Significance.

This study involves interpretation of variants in research participants for the purpose of population health screening. Participant phenotype was not available at the time of variant classification. Additional details can be found in publication PMID: 35346344, PMCID: PMC8962531